The following is an entry in ClinVar:

ClinVar aggregate classification (germline): Likely pathogenic (1 of 4 stars; one submission).

Conditions:
Inborn genetic diseases. Identifiers: MedGen C0950123, MeSH D030342.

Submission:

Ambry Genetics
Classification: Likely pathogenic for Inborn genetic diseases. Last evaluated: 2019-03-21. Review status: criteria provided, single submitter. Criteria: Ambry Variant Classification Scheme 2023. Collection method: clinical testing. Allele origin: germline.
Comment: The alteration is predicted to abolish the native acceptor splice site: _x000D_ _x000D_ The c.524-2A>G intronic alteration results from an A to G substitution two nucleotides before exon 6 of the L1CAM gene. Alterations that disrupt the canonical splice acceptor site are typically deleterious in nature (Richards, 2015). The alteration is not observed in population databases:_x000D_ _x000D_ Based on data from the Genome Aggregation Database (gnomAD), the L1CAM c.524-2A>G alteration was not observed, with coverage at this position. The altered nucleotide is conserved throughout evolution:_x000D_ _x000D_ The c.524-2A nucleotide is conserved in available vertebrate species, except in lamprey. The alteration is located in a functionally important protein domain: _x000D_ _x000D_ This alteration is located in the Ig2 domain that has previously been shown to be important for homophilic binding and neurite outgrowth (Zhao, 1998). Other functional studies have shown that missense alterations in this domain disrupted homophilic interactions of L1 and affected protein function (Kudumala, 2013; Christaller, 2017). The alteration is predicted to affect splicing by in silico models:_x000D_ _x000D_ Based on BDGP and ESEfinder splice site in silico tools, this alteration is predicted to abolish the native splice acceptor site; however, direct evidence is unavailable. Based on the available evidence, this alteration is classified as likely pathogenic.

Literature cited by the submitters: PubMed 9721721; PubMed 24155914; PubMed 26891472.

NM_001278116.2(L1CAM):c.524-2A>G

Gene: L1CAM (L1 cell adhesion molecule; minus strand). Cytogenetic location: Xq28.
Variant type: single nucleotide variant.
Coding change: c.524-2A>G on transcript NM_001278116.2 (MANE Select); the canonical splice acceptor site of the intron before coding-DNA position 524, A replaced by G.
Molecular consequence: splice acceptor variant.
Genome position (GRCh38, 1-based): chrX:153,870,962, T>C on the plus strand (A>G on the coding strand, the complement: L1CAM is on the minus strand). VCF-style: chrX-153870962-T-C. GRCh37 (hg19) VCF-style: chrX-153136417-T-C.
Other names: c.509-2A>G (NM_001143963.2); c.524-2A>G (NM_024003.3, NM_000425.5).
Identifiers: ClinVar variation 985329 (VCV000985329.5), dbSNP rs2064763561, ClinGen allele CA415136068.
Genomic context (GRCh38, chrX:153,870,962, plus strand): 5'-GTAGAGGTTGCCGTTCTGGCCCATCGTCACCCGCTCGTCCTGCTTGATGTGCAAGATCTC[T>C]GCAGGGGGCAAGGAGGCCGAAGTCATGACCCCGTCCAGGAAGACACCCCCGCTAACACCC-3'